The following is an entry in ClinVar:

ClinVar aggregate classification (germline): Uncertain significance. Review status: criteria provided, single submitter (1 of 4 stars). 2 submissions from 2 submitters: Uncertain significance (1). 1 of the submissions does not count toward it. Last evaluated 2022-05-19.

Conditions:
Cohen syndrome (COH1). Also called: PEPPER SYNDROME; Cutis verticis gyrata, retinitis pigmentosa, and sensorineural deafness. Identifiers: Orphanet 193, MedGen C0265223, MONDO:0008999, OMIM 216550.
VPS13B-related disorder. Also called: VPS13B-related condition.

Submissions (2):

Labcorp Genetics (formerly Invitae), Labcorp
Classification: Uncertain significance for Cohen syndrome. Last evaluated: 2022-05-19. Review status: criteria provided, single submitter. Criteria: Invitae Variant Classification Sherloc (09022015). Collection method: clinical testing. Allele origin: germline.
Comment: This variant, c.2893_2895del, results in the deletion of 1 amino acid(s) of the VPS13B protein (p.Ile965del), but otherwise preserves the integrity of the reading frame. This variant is present in population databases (rs748137454, gnomAD 0.002%). This variant has not been reported in the literature in individuals affected with VPS13B-related conditions. Experimental studies and prediction algorithms are not available or were not evaluated, and the functional significance of this variant is currently unknown. In summary, the available evidence is currently insufficient to determine the role of this variant in disease. Therefore, it has been classified as a Variant of Uncertain Significance.

PreventionGenetics, part of Exact Sciences
Classification: Uncertain significance for VPS13B-related condition. Last evaluated: 2024-03-05. Review status: no assertion criteria provided. Collection method: clinical testing. Allele origin: germline. Not counted in ClinVar's aggregate classification.
Comment: The VPS13B c.2893_2895delATC variant is predicted to result in an in-frame deletion (p.Ile965del). To our knowledge, this variant has not been reported in the literature. This variant is reported in 0.00088% of alleles in individuals of European (Non-Finnish) descent in gnomAD. At this time, the clinical significance of this variant is uncertain due to the absence of conclusive functional and genetic evidence.

NM_152564.5(VPS13B):c.2893_2895del (p.Ile965del)

Gene: VPS13B (vacuolar protein sorting 13 homolog B; plus strand). Cytogenetic location: 8q22.2.
Variant type: Deletion.
Coding change: c.2893_2895del on transcript NM_152564.5 (MANE Select); coding-DNA positions 2893 to 2895, 3 bases deleted (ATC; older notation c.2893_2895delATC).
Protein change: p.Ile965del; deletes isoleucine 965.
Molecular consequence: inframe deletion.
Genome position (GRCh38, 1-based): chr8:99,384,276-99,384,278, ATC deleted; deleting any 3 consecutive bases within chr8:99,384,274-99,384,278 gives the same sequence; the c. name uses the placement nearest the transcript's 3' end. VCF-style (leftmost placement, unchanged base first): chr8-99384273-CTCA-C. GRCh37 (hg19) VCF-style: chr8-100396501-CTCA-C.
Other names: c.2893_2895del, p.Ile965del (NM_017890.5); c.2893_2895delATC (NM_152564.4); short protein forms I965del.
Identifiers: ClinVar variation 1523492 (VCV001523492.6), dbSNP rs748137454, ClinGen allele CA4823080.